The following is an entry in ClinVar:

NM_004863.4(SPTLC2):c.957-132G>A

Gene: SPTLC2 (serine palmitoyltransferase long chain base subunit 2; minus strand). Cytogenetic location: 14q24.3.
Variant type: single nucleotide variant.
Coding change: c.957-132G>A on transcript NM_004863.4 (MANE Select); 132 bases into the intron before coding-DNA position 957, G replaced by A.
Molecular consequence: intron variant.
Genome position (GRCh38, 1-based): chr14:77,555,651, C>T on the plus strand (G>A on the coding strand, the complement: SPTLC2 is on the minus strand). VCF-style: chr14-77555651-C-T. GRCh37 (hg19) VCF-style: chr14-78021994-C-T.
Identifiers: ClinVar variation 674401 (VCV000674401.2), dbSNP rs12101243, ClinGen allele CA263846807.
Genomic context (GRCh38, chr14:77,555,651, plus strand): 5'-GCACTTCATTATTATTGAGTTTACTGCTTCTTTTTTTTTTCTTGGGACAGAGTTTTGCTC[C>T]ATTGTCCAGGCTGAAGTGCAGTGGCATAATCTCGGCTTACTACAATCCCTGACTCCTGGG-3'

ClinVar aggregate classification (germline): Benign. Review status: criteria provided, multiple submitters, no conflicts (2 of 4 stars). 2 submissions from 2 submitters: Benign (2). Last evaluated 2018-06-16.

Allele frequency attached by ClinVar (database versions not stated): 1000 Genomes Project 0.02436; 1000 Genomes Project 30x 0.02452; gnomAD 0.02870 and 0.03086; TOPMed 0.03079.
gnomAD v4.1: 6,721 of 925,986 alleles (0.73%); highest among the groups gnomAD compares: African/African-American, 9.8%; 335 homozygotes.

Submissions (2):

GeneDx
Classification: Benign. Last evaluated: 2018-06-16. Review status: criteria provided, single submitter. Criteria: GeneDx Variant Classification (06012015). Collection method: clinical testing. Allele origin: germline. Affected: yes.
Comment: This variant is considered likely benign or benign based on one or more of the following criteria: it is a conservative change, it occurs at a poorly conserved position in the protein, it is predicted to be benign by multiple in silico algorithms, and/or has population frequency not consistent with disease.

Breakthrough Genomics
Classification: Benign. Review status: criteria provided, single submitter. Criteria: ACMG Guidelines, 2015. Collection method: not provided. Allele origin: germline. Inheritance: Autosomal dominant inheritance. Affected: yes.